The following is an entry in ClinVar:

NM_000166.6(GJB1):c.211A>T (p.Ile71Phe)

Gene: GJB1 (gap junction protein beta 1; plus strand). Cytogenetic location: Xq13.1.
Variant type: single nucleotide variant.
Coding change: c.211A>T on transcript NM_000166.6 (MANE Select); coding-DNA position 211, A replaced by T.
Protein change: p.Ile71Phe; replaces isoleucine 71 with phenylalanine.
Molecular consequence: missense variant.
Genome position (GRCh38, 1-based): chrX:71,223,918, A>T. VCF-style: chrX-71223918-A-T. GRCh37 (hg19) VCF-style: chrX-70443768-A-T.
Other names: c.211A>T, p.Ile71Phe (NM_001097642.3); short protein forms I71F.
Identifiers: ClinVar variation 3711790 (VCV003711790.2).
Genomic context (GRCh38, chrX:71,223,918, plus strand): 5'-TTCATCTGCAACACACTCCAGCCTGGCTGCAACAGCGTTTGCTATGACCAATTCTTCCCC[A>T]TCTCCCATGTGCGGCTGTGGTCCCTGCAGCTCATCCTAGTTTCCACCCCAGCTCTCCTCG-3'
Protein context (NP_000157.1, residues 61-81): NSVCYDQFFP[Ile71Phe]SHVRLWSLQL

ClinVar aggregate classification (germline): Uncertain significance (1 of 4 stars; one submission).

Conditions:
Charcot-Marie-Tooth Neuropathy X. Identifiers: MedGen CN118851.

Submission:

Labcorp Genetics (formerly Invitae), Labcorp
Classification: Uncertain significance for Charcot-Marie-Tooth Neuropathy X. Last evaluated: 2024-09-12. Review status: criteria provided, single submitter. Criteria: Invitae Variant Classification Sherloc (09022015). Collection method: clinical testing. Allele origin: germline.
Comment: This sequence change replaces isoleucine, which is neutral and non-polar, with phenylalanine, which is neutral and non-polar, at codon 71 of the GJB1 protein (p.Ile71Phe). This variant is not present in population databases (gnomAD no frequency). This missense change has been observed in individual(s) with clinical features of GJB1-related conditions (internal data). Invitae Evidence Modeling of protein sequence and biophysical properties (such as structural, functional, and spatial information, amino acid conservation, physicochemical variation, residue mobility, and thermodynamic stability) indicates that this missense variant is expected to disrupt GJB1 protein function with a positive predictive value of 80%. This variant disrupts the p.Ile71 amino acid residue in GJB1. Other variant(s) that disrupt this residue have been determined to be pathogenic (PMID: 25595958, 27549087, 34678594; internal data). This suggests that this residue is clinically significant, and that variants that disrupt this residue are likely to be disease-causing. In summary, the available evidence is currently insufficient to determine the role of this variant in disease. Therefore, it has been classified as a Variant of Uncertain Significance.

Literature cited by the submitters: PubMed 25595958; PubMed 27549087; PubMed 34678594.